The following is an entry in ClinVar:

ClinVar aggregate classification (germline): Uncertain significance (1 of 4 stars; one submission).

Conditions:
Developmental and epileptic encephalopathy, 42 (DEE42A). Also called: DEVELOPMENTAL AND EPILEPTIC ENCEPHALOPATHY 42A; EPILEPTIC ENCEPHALOPATHY, EARLY INFANTILE, 42A; Epileptic encephalopathy, early infantile, 42. Identifiers: MedGen C4310716, MONDO:0014917, OMIM 617106.
Episodic ataxia type 2 (EA2). Also called: ACETAZOLAMIDE-RESPONSIVE HEREDITARY PAROXYSMAL CEREBELLAR ATAXIA; EPISODIC ATAXIA, NYSTAGMUS-ASSOCIATED; ATAXIA, EPISODIC, WITH NYSTAGMUS; ATAXIA, FAMILIAL PAROXYSMAL; CEREBELLAR ATAXIA, PAROXYSMAL, ACETAZOLAMIDE-RESPONSIVE; CEREBELLOPATHY, HEREDITARY PAROXYSMAL. Identifiers: Orphanet 97, MedGen C1720416, MONDO:0007163, OMIM 108500.

Allele frequency attached by ClinVar (database versions not stated): TOPMed below 0.00001; gnomAD 0.00001; gnomAD exomes below 0.00001.
gnomAD v4.1: 2 of 1,504,284 alleles (0.00013%); highest among the groups gnomAD compares: African/African-American, 0.0014%; no homozygotes.

Submission:

Labcorp Genetics (formerly Invitae), Labcorp
Classification: Uncertain significance for Developmental and epileptic encephalopathy, 42; Episodic ataxia type 2. Last evaluated: 2024-11-20. Review status: criteria provided, single submitter. Criteria: Invitae Variant Classification Sherloc (09022015). Collection method: clinical testing. Allele origin: germline.
Comment: This sequence change replaces glycine, which is neutral and non-polar, with arginine, which is basic and polar, at codon 13 of the CACNA1A protein (p.Gly13Arg). This variant is not present in population databases (gnomAD no frequency). This variant has not been reported in the literature in individuals affected with CACNA1A-related conditions. ClinVar contains an entry for this variant (Variation ID: 1025135). Invitae Evidence Modeling of protein sequence and biophysical properties (such as structural, functional, and spatial information, amino acid conservation, physicochemical variation, residue mobility, and thermodynamic stability) indicates that this missense variant is not expected to disrupt CACNA1A protein function with a negative predictive value of 95%. In summary, the available evidence is currently insufficient to determine the role of this variant in disease. Therefore, it has been classified as a Variant of Uncertain Significance.

NM_001127222.2(CACNA1A):c.37G>A (p.Gly13Arg)

Gene: CACNA1A (calcium voltage-gated channel subunit alpha1 A; minus strand). Cytogenetic location: 19p13.13.
Variant type: single nucleotide variant.
Coding change: c.37G>A on transcript NM_001127222.2 (MANE Select); coding-DNA position 37, G replaced by A.
Protein change: p.Gly13Arg; replaces glycine 13 with arginine.
Molecular consequence: missense variant.
Genome position (GRCh38, 1-based): chr19:13,506,188, C>T on the plus strand (G>A on the coding strand, the complement: CACNA1A is on the minus strand). VCF-style: chr19-13506188-C-T. GRCh37 (hg19) VCF-style: chr19-13617002-C-T.
Other names: c.37G>A, p.Gly13Arg (NM_000068.4, NM_001127221.2, NM_001174080.2 and 1 more transcripts); short protein forms G13R.
Identifiers: ClinVar variation 1025135 (VCV001025135.7), dbSNP rs1202097056, ClinGen allele CA404971331.